The following is an entry in ClinVar:

ClinVar aggregate classification (germline): Uncertain significance (1 of 4 stars; one submission).

Conditions:
Biotinidase deficiency. Also called: BTD deficiency; Late-onset biotin-responsive multiple carboxylase deficiency; Biotin deficiency. Identifiers: Orphanet 79241, MedGen C0220754, MONDO:0009665, OMIM 253260.

Submission:

Labcorp Genetics (formerly Invitae), Labcorp
Classification: Uncertain significance for Biotinidase deficiency. Last evaluated: 2021-12-12. Review status: criteria provided, single submitter. Criteria: Invitae Variant Classification Sherloc (09022015). Collection method: clinical testing. Allele origin: germline.
Comment: In summary, the available evidence is currently insufficient to determine the role of this variant in disease. Therefore, it has been classified as a Variant of Uncertain Significance. Algorithms developed to predict the effect of missense changes on protein structure and function are either unavailable or do not agree on the potential impact of this missense change (SIFT: "Tolerated"; PolyPhen-2: "Possibly Damaging"; Align-GVGD: "Class C0"). This variant has not been reported in the literature in individuals affected with BTD-related conditions. This variant is not present in population databases (gnomAD no frequency). This sequence change replaces methionine, which is neutral and non-polar, with isoleucine, which is neutral and non-polar, at codon 161 of the BTD protein (p.Met161Ile).

NM_001370658.1(BTD):c.423G>A (p.Met141Ile)

Gene: BTD (biotinidase; plus strand). Cytogenetic location: 3p25.1.
Variant type: single nucleotide variant.
Coding change: c.423G>A on transcript NM_001370658.1 (MANE Select); coding-DNA position 423, G replaced by A.
Protein change: p.Met141Ile; replaces methionine 141 with isoleucine.
Molecular consequence: missense variant. On other transcripts: intron variant (1).
Genome position (GRCh38, 1-based): chr3:15,644,339, G>A. VCF-style: chr3-15644339-G-A. GRCh37 (hg19) VCF-style: chr3-15685846-G-A.
Other names: c.423G>A, p.Met141Ile (NM_001407366.1, NM_001407367.1, NM_001407375.1 and 18 more transcripts); c.399+2282G>A (NM_001370753.1); c.483G>A, p.Met161Ile (NM_000060.4); short protein forms M141I, M161I.
Identifiers: ClinVar variation 1923024 (VCV001923024.5), dbSNP rs2471509164, ClinGen allele CA351606182.